The following is an entry in ClinVar:

ClinVar aggregate classification (germline): Benign (1 of 4 stars; one submission).

Allele frequency attached by ClinVar (database versions not stated): TOPMed 0.00684; 1000 Genomes Project 0.00699; 1000 Genomes Project 30x 0.00734; ESP Exome Variant Server 0.00738; gnomAD 0.00898; ExAC 0.01032.
gnomAD v4.1: 19,171 of 1,614,182 alleles (1.2%); highest among the groups gnomAD compares: East Asian, 1.3%; 158 homozygotes.

Submission:

CeGaT Center for Human Genetics Tuebingen
Classification: Benign. Last evaluated: 2025-05-01. Review status: criteria provided, single submitter. Criteria: CeGaT Center For Human Genetics Tuebingen Variant Classification Criteria Version 2. Collection method: clinical testing. Allele origin: germline. Affected: yes. Observed: 2 variant alleles.
Comment: PCNX1: BP4, BP7, BS1, BS2

NM_014982.3(PCNX1):c.762T>G (p.Ser254=)

Gene: PCNX1 (pecanex 1; plus strand). Cytogenetic location: 14q24.2.
Variant type: single nucleotide variant.
Coding change: c.762T>G on transcript NM_014982.3 (MANE Select); coding-DNA position 762, T replaced by G.
Protein change: p.Ser254=; no amino-acid change (serine 254 retained).
Molecular consequence: synonymous variant.
Genome position (GRCh38, 1-based): chr14:70,977,099, T>G. VCF-style: chr14-70977099-T-G. GRCh37 (hg19) VCF-style: chr14-71443816-T-G.
Other names: c.762T>G, p.Ser254= (NM_001308160.2).
Identifiers: ClinVar variation 2644351 (VCV002644351.24), dbSNP rs35702999, ClinGen allele CA7250756.